The following is an entry in ClinVar:

ClinVar aggregate classification (germline): Pathogenic (1 of 4 stars; one submission).

Submission:

Labcorp Genetics (formerly Invitae), Labcorp
Classification: Pathogenic. Last evaluated: 2024-01-10. Review status: criteria provided, single submitter. Criteria: Invitae Variant Classification Sherloc (09022015). Collection method: clinical testing. Allele origin: unknown.
Comment: This variant is a gross deletion of the genomic region encompassing exon(s) 42-43 of the POLE gene. This deletion is out-of-frame, and is expected to create a premature termination codon and result in an absent or disrupted protein product. Loss-of-function variants in POLE are known to be pathogenic (PMID: 23230001, 25948378, 30503519). This variant has not been reported in the literature in individuals affected with POLE-related conditions. For these reasons, this variant has been classified as Pathogenic.

Literature cited by the submitters: PubMed 23230001; PubMed 25948378; PubMed 30503519.

NC_000012.11:g.(?_133210752)_(133212630_?)del

Gene: POLE (DNA polymerase epsilon, catalytic subunit; minus strand). Cytogenetic location: 12q24.33.
Variant type: Deletion.
Identifiers: ClinVar variation 3244405 (VCV003244405.1).